The following is an entry in ClinVar:

ClinVar aggregate classification (germline): Uncertain significance (1 of 4 stars; one submission).

Submission:

Labcorp Genetics (formerly Invitae), Labcorp
Classification: Uncertain significance. Last evaluated: 2024-10-28. Review status: criteria provided, single submitter. Criteria: Invitae Variant Classification Sherloc (09022015). Collection method: clinical testing. Allele origin: germline.
Comment: This sequence change replaces arginine, which is basic and polar, with leucine, which is neutral and non-polar, at codon 478 of the KMT2A protein (p.Arg478Leu). This variant is not present in population databases (gnomAD no frequency). This variant has not been reported in the literature in individuals affected with KMT2A-related conditions. Invitae Evidence Modeling of protein sequence and biophysical properties (such as structural, functional, and spatial information, amino acid conservation, physicochemical variation, residue mobility, and thermodynamic stability) has been performed for this missense variant. However, the output from this modeling did not meet the statistical confidence thresholds required to predict the impact of this variant on KMT2A protein function. In summary, the available evidence is currently insufficient to determine the role of this variant in disease. Therefore, it has been classified as a Variant of Uncertain Significance.

NM_001197104.2(KMT2A):c.1433G>T (p.Arg478Leu)

Gene: KMT2A (lysine methyltransferase 2A; plus strand). Cytogenetic location: 11q23.3.
Variant type: single nucleotide variant.
Coding change: c.1433G>T on transcript NM_001197104.2 (MANE Select); coding-DNA position 1433, G replaced by T.
Protein change: p.Arg478Leu; replaces arginine 478 with leucine.
Molecular consequence: missense variant.
Genome position (GRCh38, 1-based): chr11:118,472,592, G>T. VCF-style: chr11-118472592-G-T. GRCh37 (hg19) VCF-style: chr11-118343307-G-T.
Other names: c.1532G>T, p.Arg511Leu (NM_001412597.1); c.1433G>T, p.Arg478Leu (NM_005933.4); short protein forms R478L, R511L.
Identifiers: ClinVar variation 2856246 (VCV002856246.3), dbSNP rs782711809, ClinGen allele CA382810105.